The following is an entry in ClinVar:

ClinVar aggregate classification (germline): Uncertain significance (1 of 4 stars; one submission).

Conditions:
Bardet-Biedl syndrome (BBS). Identifiers: Orphanet 110, MedGen C0752166, MONDO:0015229.

Allele frequency attached by ClinVar (database versions not stated): ExAC 0.00001; gnomAD 0.00001; TOPMed 0.00001; ESP Exome Variant Server 0.00008.
gnomAD v4.1: 1 of 1,613,508 alleles (0.000062%); highest among the groups gnomAD compares: African/African-American, 0.0013%; no homozygotes.

Submission:

Labcorp Genetics (formerly Invitae), Labcorp
Classification: Uncertain significance for Bardet-Biedl syndrome. Last evaluated: 2021-12-29. Review status: criteria provided, single submitter. Criteria: Invitae Variant Classification Sherloc (09022015). Collection method: clinical testing. Allele origin: germline.
Comment: This sequence change replaces threonine, which is neutral and polar, with isoleucine, which is neutral and non-polar, at codon 865 of the BBS9 protein (p.Thr865Ile). This variant is present in population databases (rs367869428, gnomAD 0.007%). This variant has not been reported in the literature in individuals affected with BBS9-related conditions. Algorithms developed to predict the effect of missense changes on protein structure and function are either unavailable or do not agree on the potential impact of this missense change (SIFT: "Deleterious"; PolyPhen-2: "Benign"; Align-GVGD: "Class C0"). In summary, the available evidence is currently insufficient to determine the role of this variant in disease. Therefore, it has been classified as a Variant of Uncertain Significance.

NM_198428.3(BBS9):c.2594C>T (p.Thr865Ile)

Gene: BBS9 (Bardet-Biedl syndrome 9; plus strand). Cytogenetic location: 7p14.3.
Variant type: single nucleotide variant.
Coding change: c.2594C>T on transcript NM_198428.3 (MANE Select); coding-DNA position 2594, C replaced by T.
Protein change: p.Thr865Ile; replaces threonine 865 with isoleucine.
Molecular consequence: missense variant. On other transcripts: non-coding transcript variant (3), intron variant (1).
Genome position (GRCh38, 1-based): chr7:33,604,937, C>T. VCF-style: chr7-33604937-C-T. GRCh37 (hg19) VCF-style: chr7-33644549-C-T.
Other names: c.2579C>T, p.Thr860Ile (NM_001033605.2); c.2594C>T, p.Thr865Ile (NM_001348036.1, NM_001348041.4, NM_001348043.3 and 1 more transcripts); c.2045C>T, p.Thr682Ile (NM_001348037.3); c.2321C>T, p.Thr774Ile (NM_001348038.3); c.2216C>T, p.Thr739Ile (NM_001348039.3); c.2474C>T, p.Thr825Ile (NM_001348040.3, NM_014451.4); c.2459C>T, p.Thr820Ile (NM_001348042.3); c.2123C>T, p.Thr708Ile (NM_001348044.3); and 3 more; short protein forms T682I, T743I, T820I, T708I, T774I, T825I, T860I, T865I.
Identifiers: ClinVar variation 2065690 (VCV002065690.1), dbSNP rs367869428, ClinGen allele CA4214741.